The following is an entry in ClinVar:

NM_173628.4(DNAH17):c.5545G>A (p.Ala1849Thr)

Genes: DNAH17 (dynein axonemal heavy chain 17; minus strand), DNAH17-AS1 (DNAH17 antisense RNA 1; plus strand). Cytogenetic location: 17q25.3.
Variant type: single nucleotide variant.
Coding change: c.5545G>A on transcript NM_173628.4 (MANE Select); coding-DNA position 5545, G replaced by A.
Protein change: p.Ala1849Thr; replaces alanine 1849 with threonine.
Molecular consequence: missense variant. On other transcripts: non-coding transcript variant (1).
Genome position (GRCh38, 1-based): chr17:78,500,400, C>T on the plus strand (G>A on the coding strand, the complement: DNAH17 is on the minus strand). VCF-style: chr17-78500400-C-T. GRCh37 (hg19) VCF-style: chr17-76496482-C-T.
Other names: short protein forms A1849T.
Identifiers: ClinVar variation 3039523 (VCV003039523.3), dbSNP rs60548811, ClinGen allele CA8803206.

ClinVar aggregate classification (germline): Likely benign. Review status: criteria provided, single submitter (1 of 4 stars). 2 submissions from 2 submitters: Likely benign (1). 1 of the submissions does not count toward it. Last evaluated 2024-10-15.

Conditions:
DNAH17-related disorder. Also called: DNAH17-related condition.

Allele frequency attached by ClinVar (database versions not stated): gnomAD exomes 0.00048; ESP Exome Variant Server 0.00222; gnomAD 0.00259; TOPMed 0.00263; 1000 Genomes Project 0.00379; 1000 Genomes Project 30x 0.00390.
gnomAD v4.1: 1,123 of 1,610,162 alleles (0.07%); highest among the groups gnomAD compares: African/African-American, 0.85%; 7 homozygotes.

Submissions (2):

Blueprint Genetics
Classification: Likely benign. Last evaluated: 2024-10-15. Review status: criteria provided, single submitter. Criteria: ACMG Guidelines, 2015. Collection method: clinical testing. Allele origin: germline.

PreventionGenetics, part of Exact Sciences
Classification: Benign for DNAH17-related condition. Last evaluated: 2019-04-11. Review status: no assertion criteria provided. Collection method: clinical testing. Allele origin: germline. Not counted in ClinVar's aggregate classification.
Comment: This variant is classified as benign based on ACMG/AMP sequence variant interpretation guidelines (Richards et al. 2015 PMID: 25741868, with internal and published modifications).